The following is an entry in ClinVar:

NM_014974.3(DIP2C):c.395-9_395-7del

Gene: DIP2C (DIP2 acetate--CoA ligase C (putative); minus strand). Cytogenetic location: 10p15.3.
Variant type: Microsatellite.
Coding change: c.395-9_395-7del on transcript NM_014974.3 (MANE Select); 9 bases into the intron before coding-DNA position 395 through 7 bases into the intron before coding-DNA position 395, 3 bases deleted (CTT; older notation c.395-9_395-7delCTT).
Molecular consequence: intron variant.
Genome position (GRCh38, 1-based): chr10:423,040-423,042, AAG deleted on the plus strand (CTT on the coding strand, the reverse complement: DIP2C is on the minus strand); deleting any 3 consecutive bases within chr10:423,040-423,047 gives the same sequence; the c. name uses the placement nearest the transcript's 3' end. VCF-style (leftmost placement, unchanged base first): chr10-423039-TAAG-T. GRCh37 (hg19) VCF-style: chr10-468979-TAAG-T.
Other names: c.395-9_395-7delCTT (NM_014974.2).
Identifiers: ClinVar variation 1666523 (VCV001666523.10), dbSNP rs757666221, ClinGen allele CA5381340.

ClinVar aggregate classification (germline): Likely benign. Review status: criteria provided, single submitter (1 of 4 stars). 2 submissions from 2 submitters: Likely benign (1). 1 of the submissions does not count toward it. Last evaluated 2025-10-17.

Conditions:
DIP2C-related disorder. Also called: DIP2C-related condition.

Submissions (2):

Labcorp Genetics (formerly Invitae), Labcorp
Classification: Likely benign. Last evaluated: 2025-10-17. Review status: criteria provided, single submitter. Criteria: Invitae Variant Classification Sherloc (09022015). Collection method: clinical testing. Allele origin: germline.

PreventionGenetics, part of Exact Sciences
Classification: Likely benign for DIP2C-related condition. Last evaluated: 2019-04-08. Review status: no assertion criteria provided. Collection method: clinical testing. Allele origin: germline. Not counted in ClinVar's aggregate classification.
Comment: This variant is classified as likely benign based on ACMG/AMP sequence variant interpretation guidelines (Richards et al. 2015 PMID: 25741868, with internal and published modifications).